The following is an entry in ClinVar:

NM_000254.3(MTR):c.*3464A>G

Gene: MTR (5-methyltetrahydrofolate-homocysteine methyltransferase; plus strand). Cytogenetic location: 1q43.
Variant type: single nucleotide variant.
Coding change: c.*3464A>G on transcript NM_000254.3 (MANE Select); 3464 bases downstream of the stop codon, A replaced by G.
Molecular consequence: 3 prime UTR variant.
Genome position (GRCh38, 1-based): chr1:236,901,108, A>G. VCF-style: chr1-236901108-A-G. GRCh37 (hg19) VCF-style: chr1-237064408-A-G.
Other names: c.*3464A>G (NM_001291939.1, NM_001291940.2).
Identifiers: ClinVar variation 296651 (VCV000296651.6), dbSNP rs61400757, ClinGen allele CA10609698.
Genomic context (GRCh38, chr1:236,901,108, plus strand): 5'-AGAAGAGAATCTGGAGGAGGAGGAGGGGGAGCCAGCAGGGGAGCAGCTGTGGGTTGGAGG[A>G]AGCCAGGAGGGAGAGTGCAATGCCGAGAAAGCAATGAAGAGCGTTTCGAAGCATGCCAGC-3'

ClinVar aggregate classification (germline): Benign. Review status: criteria provided, multiple submitters, no conflicts (2 of 4 stars). 2 submissions from 2 submitters: Benign (2). Last evaluated 2018-01-12.

Conditions:
Disorders of Intracellular Cobalamin Metabolism. Identifiers: MedGen CN043592.

Allele frequency attached by ClinVar (database versions not stated): gnomAD exomes 0.01868; gnomAD 0.05471 and 0.05503; TOPMed 0.05596; 1000 Genomes Project 30x 0.07324; 1000 Genomes Project 0.07468.
gnomAD v4.1: 8,332 of 153,290 alleles (5.4%); highest among the groups gnomAD compares: African/African-American, 13%; 413 homozygotes.

Submissions (2):

Illumina Laboratory Services, Illumina
Classification: Benign for Disorders of Intracellular Cobalamin Metabolism. Last evaluated: 2018-01-12. Review status: criteria provided, single submitter. Criteria: ICSL Variant Classification Criteria 13 December 2019. Collection method: clinical testing. Allele origin: germline.
Comment: This variant was observed in the ICSL laboratory as part of a predisposition screen in an ostensibly healthy population. It had not been previously curated by ICSL or reported in the Human Gene Mutation Database (HGMD: prior to June 1st, 2018), and was therefore a candidate for classification through an automated scoring system. Utilizing variant allele frequency, disease prevalence and penetrance estimates, and inheritance mode, an automated score was calculated to assess if this variant is too frequent to cause the disease. Based on the score and internal cut-off values, a variant classified as benign is not then subjected to further curation. The score for this variant resulted in a classification of benign for this disease.

Breakthrough Genomics
Classification: Benign. Review status: criteria provided, single submitter. Criteria: ACMG Guidelines, 2015. Collection method: not provided. Allele origin: germline. Inheritance: Autosomal recessive inheritance. Affected: yes.